The following is an entry in ClinVar:

ClinVar aggregate classification (germline): Uncertain significance. Review status: criteria provided, multiple submitters, no conflicts (2 of 4 stars). 2 submissions from 2 submitters: Uncertain significance (2). Last evaluated 2025-06-10.

Conditions:
Cardiovascular phenotype. Identifiers: MedGen CN230736.
Brugada syndrome 8 (BRGDA8). Identifiers: Orphanet 130, MedGen C2751083, MONDO:0013148, OMIM 613123.

gnomAD v4.1: 3 of 1,374,928 alleles (0.00022%); highest among the groups gnomAD compares: Non-Finnish European, 0.00019%; no homozygotes.

Submissions (2):

Ambry Genetics
Classification: Uncertain significance for Cardiovascular phenotype. Last evaluated: 2025-06-10. Review status: criteria provided, single submitter. Criteria: Ambry Variant Classification Scheme 2023. Collection method: clinical testing. Allele origin: germline.
Comment: The p.N90K variant (also known as c.270C>A), located in coding exon 1 of the HCN4 gene, results from a C to A substitution at nucleotide position 270. The asparagine at codon 90 is replaced by lysine, an amino acid with similar properties. This amino acid position is conserved. In addition, the in silico prediction for this alteration is inconclusive. Based on the available evidence, the clinical significance of this variant remains unclear.

Labcorp Genetics (formerly Invitae), Labcorp
Classification: Uncertain significance for Brugada syndrome 8. Last evaluated: 2024-12-19. Review status: criteria provided, single submitter. Criteria: Invitae Variant Classification Sherloc (09022015). Collection method: clinical testing. Allele origin: germline.
Comment: This sequence change replaces asparagine, which is neutral and polar, with lysine, which is basic and polar, at codon 90 of the HCN4 protein (p.Asn90Lys). This variant is not present in population databases (gnomAD no frequency). This variant has not been reported in the literature in individuals affected with HCN4-related conditions. ClinVar contains an entry for this variant (Variation ID: 2265118). Invitae Evidence Modeling of protein sequence and biophysical properties (such as structural, functional, and spatial information, amino acid conservation, physicochemical variation, residue mobility, and thermodynamic stability) has been performed for this missense variant. However, the output from this modeling did not meet the statistical confidence thresholds required to predict the impact of this variant on HCN4 protein function. In summary, the available evidence is currently insufficient to determine the role of this variant in disease. Therefore, it has been classified as a Variant of Uncertain Significance.

NM_005477.3(HCN4):c.270C>A (p.Asn90Lys)

Gene: HCN4 (hyperpolarization activated cyclic nucleotide gated potassium channel 4; minus strand). Cytogenetic location: 15q24.1.
Variant type: single nucleotide variant.
Coding change: c.270C>A on transcript NM_005477.3 (MANE Select); coding-DNA position 270, C replaced by A.
Protein change: p.Asn90Lys; replaces asparagine 90 with lysine.
Molecular consequence: missense variant.
Genome position (GRCh38, 1-based): chr15:73,368,001, G>T on the plus strand (C>A on the coding strand, the complement: HCN4 is on the minus strand). VCF-style: chr15-73368001-G-T. GRCh37 (hg19) VCF-style: chr15-73660342-G-T.
Other names: short protein forms N90K.
Identifiers: ClinVar variation 2265118 (VCV002265118.5), dbSNP rs2043137309, ClinGen allele CA393098532.
Genomic context (GRCh38, chr15:73,368,001, plus strand): 5'-GCTGCCGCCGCCCCGGCTGCCCAGCGAGGCCAGGCTCCCGCGGAAGCGCCTGCAGTCGCC[G>T]TTCGTGCTGGACTTGCCCGCGCCGCGGGCCGGCCCTTCGCTGTCCGCTGCCCCGAGGGCC-3'
Protein context (NP_005468.1, residues 80-100): PARGAGKSST[Asn90Lys]GDCRRFRGSL